The following is an entry in ClinVar:

ClinVar aggregate classification (germline): Benign/Likely benign. Review status: criteria provided, multiple submitters, no conflicts (2 of 4 stars). 2 submissions from 2 submitters: Benign (1); Likely benign (1). Last evaluated 2024-10-29.

Conditions:
Prostate cancer, hereditary, 9 (HPC9). Identifiers: Orphanet 1331, MedGen C1970250, MONDO:0012597, OMIM 610997.

Submissions (2):

Myriad Genetics, Inc.
Classification: Benign for Prostate cancer, hereditary, 9. Last evaluated: 2024-10-29. Review status: criteria provided, single submitter. Criteria: Myriad Autosomal Dominant, Autosomal Recessive and X-Linked Classification Criteria (2023). Collection method: clinical testing. Allele origin: unknown.
Comment: This variant is considered benign. This variant is a silent/synonymous amino acid change and it is not expected to impact splicing.

Labcorp Genetics (formerly Invitae), Labcorp
Classification: Likely benign. Last evaluated: 2024-04-16. Review status: criteria provided, single submitter. Criteria: Invitae Variant Classification Sherloc (09022015). Collection method: clinical testing. Allele origin: germline.

NM_006361.6(HOXB13):c.294A>G (p.Lys98=)

Gene: HOXB13 (homeobox B13; minus strand). Cytogenetic location: 17q21.32.
Variant type: single nucleotide variant.
Coding change: c.294A>G on transcript NM_006361.6 (MANE Select); coding-DNA position 294, A replaced by G.
Protein change: p.Lys98=; no amino-acid change (lysine 98 retained).
Molecular consequence: synonymous variant.
Genome position (GRCh38, 1-based): chr17:48,728,300, T>C on the plus strand (A>G on the coding strand, the complement: HOXB13 is on the minus strand). VCF-style: chr17-48728300-T-C. GRCh37 (hg19) VCF-style: chr17-46805662-T-C.
Identifiers: ClinVar variation 1625047 (VCV001625047.9), dbSNP rs1597934562, ClinGen allele CA500661952.
Genomic context (GRCh38, chr17:48,728,300, plus strand): 5'-TTCCCCGGCCGTGGGAGTCTCCGCGGGGTACGCGGCCAGGGTGGCTGCCTGGGCACAGGG[T>C]TTCAGCGAGCTCCGGGACACTCGGCAGGAGTAGTACCCGCCTCCAAAGTAACCATAAGGC-3'
Protein context (NP_006352.2, residues 88-108): YSCRVSRSSL[Lys98=]PCAQAATLAA